The following is an entry in ClinVar:

ClinVar aggregate classification (germline): Uncertain significance (1 of 4 stars; one submission).

Allele frequency attached by ClinVar (database versions not stated): gnomAD 0.00001; gnomAD exomes 0.00001.
gnomAD v4.1: 11 of 1,613,910 alleles (0.00068%); highest among the groups gnomAD compares: Middle Eastern, 0.016%; no homozygotes.

Submission:

Labcorp Genetics (formerly Invitae), Labcorp
Classification: Uncertain significance. Last evaluated: 2023-07-07. Review status: criteria provided, single submitter. Criteria: Invitae Variant Classification Sherloc (09022015). Collection method: clinical testing. Allele origin: germline.
Comment: ClinVar contains an entry for this variant (Variation ID: 1385918). This sequence change replaces arginine, which is basic and polar, with histidine, which is basic and polar, at codon 3233 of the FAT1 protein (p.Arg3233His). This variant is present in population databases (no rsID available, gnomAD 0.004%). This variant has not been reported in the literature in individuals affected with FAT1-related conditions. Advanced modeling of protein sequence and biophysical properties (such as structural, functional, and spatial information, amino acid conservation, physicochemical variation, residue mobility, and thermodynamic stability) performed at Invitae indicates that this missense variant is not expected to disrupt FAT1 protein function. In summary, the available evidence is currently insufficient to determine the role of this variant in disease. Therefore, it has been classified as a Variant of Uncertain Significance.

NM_005245.4(FAT1):c.9698G>A (p.Arg3233His)

Gene: FAT1 (FAT atypical cadherin 1; minus strand). Cytogenetic location: 4q35.2.
Variant type: single nucleotide variant.
Coding change: c.9698G>A on transcript NM_005245.4 (MANE Select); coding-DNA position 9698, G replaced by A.
Protein change: p.Arg3233His; replaces arginine 3233 with histidine.
Molecular consequence: missense variant.
Genome position (GRCh38, 1-based): chr4:186,611,541, C>T on the plus strand (G>A on the coding strand, the complement: FAT1 is on the minus strand). VCF-style: chr4-186611541-C-T. GRCh37 (hg19) VCF-style: chr4-187532695-C-T.
Other names: short protein forms R3233H.
Identifiers: ClinVar variation 1385918 (VCV001385918.6), dbSNP rs1316346360, ClinGen allele CA358956317.